The following is an entry in ClinVar:

NM_018489.3(ASH1L):c.4276T>A (p.Tyr1426Asn)

Gene: ASH1L (ASH1 like histone lysine methyltransferase; minus strand). Cytogenetic location: 1q22.
Variant type: single nucleotide variant.
Coding change: c.4276T>A on transcript NM_018489.3 (MANE Select); coding-DNA position 4276, T replaced by A.
Protein change: p.Tyr1426Asn; replaces tyrosine 1426 with asparagine.
Molecular consequence: missense variant.
Genome position (GRCh38, 1-based): chr1:155,478,594, A>T on the plus strand (T>A on the coding strand, the complement: ASH1L is on the minus strand). VCF-style: chr1-155478594-A-T. GRCh37 (hg19) VCF-style: chr1-155448385-A-T.
Other names: c.4276T>A, p.Tyr1426Asn (NM_001366177.2); short protein forms Y1426N.
Identifiers: ClinVar variation 2498427 (VCV002498427.28), dbSNP rs2527152158, ClinGen allele CA342703523.

ClinVar aggregate classification (germline): Uncertain significance (1 of 4 stars; one submission).

Submission:

CeGaT Center for Human Genetics Tuebingen
Classification: Uncertain significance. Last evaluated: 2023-01-01. Review status: criteria provided, single submitter. Criteria: CeGaT Center For Human Genetics Tuebingen Variant Classification Criteria Version 2. Collection method: clinical testing. Allele origin: germline. Affected: yes. Observed: 1 variant allele.
Comment: ASH1L: PM2, PP2